The following is an entry in ClinVar:

NM_001375380.1(EBF3):c.548_551del (p.Ile183fs)

Gene: EBF3 (EBF transcription factor 3; minus strand). Cytogenetic location: 10q26.3.
Variant type: Deletion.
Coding change: c.548_551del on transcript NM_001375380.1 (MANE Select); coding-DNA positions 548 to 551, 4 bases deleted (TTGA; older notation c.548_551delTTGA).
Protein change: p.Ile183fs; shifts the reading frame from isoleucine 183.
Molecular consequence: frameshift variant.
Genome position (GRCh38, 1-based): chr10:129,957,261-129,957,264, TCAA deleted on the plus strand (TTGA on the coding strand, the reverse complement: EBF3 is on the minus strand); deleting any 4 consecutive bases within chr10:129,957,261-129,957,265 gives the same sequence; the c. name uses the placement nearest the transcript's 3' end. VCF-style (leftmost placement, unchanged base first): chr10-129957260-GTCAA-G. GRCh37 (hg19) VCF-style: chr10-131755524-GTCAA-G.
Other names: c.548_551del, p.Ile183fs (NM_001005463.3, NM_001375379.1, NM_001375389.1 and 3 more transcripts); short protein forms I183fs.
Identifiers: ClinVar variation 1320106 (VCV001320106.1), dbSNP rs2134610480, ClinGen allele CA2573053255.

ClinVar aggregate classification (germline): Likely pathogenic (1 of 4 stars; one submission).

Conditions:
Hypotonia, ataxia, and delayed development syndrome (HADDS). Also called: EBF3 Neurodevelopmental Disorder. Identifiers: Orphanet 658843, MedGen C4310618, MONDO:0015021, OMIM 617330.

Submission:

3billion
Classification: Likely pathogenic for Hypotonia, ataxia, and delayed development syndrome. Last evaluated: 2021-10-02. Review status: criteria provided, single submitter. Criteria: ACMG Guidelines, 2015. Collection method: clinical testing. Allele origin: unknown. Affected: yes. Observed: 1 heterozygote.
Comment: Frameshift: predicted to result in a loss or disruption of normal protein function through nonsense-mediated decay (NMD) or protein truncation. Multiple pathogenic variants are reported downstream of the variant (PVS1_VS). It is not observed in the gnomAD v2.1.1 dataset (PM2). Therefore, this variant is classified as likely pathogenic according to the recommendation of ACMG/AMP guideline.